The following is an entry in ClinVar:

ClinVar aggregate classification (germline): Uncertain significance. Review status: criteria provided, multiple submitters, no conflicts (2 of 4 stars). 3 submissions from 3 submitters: Uncertain significance (3). Last evaluated 2024-04-22.

Conditions:
FLNB-related disorder. Also called: FLNB-related condition; FLNB-related disorders. Identifiers: MedGen CN381095.

Allele frequency attached by ClinVar (database versions not stated): gnomAD exomes below 0.00001; TOPMed below 0.00001; ExAC 0.00001; gnomAD 0.00001.
gnomAD v4.1: 3 of 1,614,080 alleles (0.00019%); highest among the groups gnomAD compares: South Asian, 0.0011%; no homozygotes.

Submissions (3):

Labcorp Genetics (formerly Invitae), Labcorp
Classification: Uncertain significance. Last evaluated: 2024-04-22. Review status: criteria provided, single submitter. Criteria: Invitae Variant Classification Sherloc (09022015). Collection method: clinical testing. Allele origin: germline.
Comment: This sequence change replaces isoleucine, which is neutral and non-polar, with threonine, which is neutral and polar, at codon 594 of the FLNB protein (p.Ile594Thr). This variant is present in population databases (rs776866741, gnomAD 0.0009%). This variant has not been reported in the literature in individuals affected with FLNB-related conditions. ClinVar contains an entry for this variant (Variation ID: 387749). Advanced modeling of protein sequence and biophysical properties (such as structural, functional, and spatial information, amino acid conservation, physicochemical variation, residue mobility, and thermodynamic stability) performed at Invitae indicates that this missense variant is not expected to disrupt FLNB protein function with a negative predictive value of 95%. In summary, the available evidence is currently insufficient to determine the role of this variant in disease. Therefore, it has been classified as a Variant of Uncertain Significance.

PreventionGenetics, part of Exact Sciences
Classification: Uncertain significance for FLNB-related condition. Last evaluated: 2023-07-11. Review status: criteria provided, single submitter. Criteria: ACMG Guidelines, 2015. Collection method: clinical testing. Allele origin: germline.
Comment: The FLNB c.1781T>C variant is predicted to result in the amino acid substitution p.Ile594Thr. To our knowledge, this variant has not been reported in the literature. This variant is reported in 0.00088% of alleles in individuals of European (Non-Finnish) descent in gnomAD. At this time, the clinical significance of this variant is uncertain due to the absence of conclusive functional and genetic evidence.

GeneDx
Classification: Uncertain significance. Last evaluated: 2016-07-08. Review status: criteria provided, single submitter. Criteria: GeneDx Variant Classification (06012015). Collection method: clinical testing. Allele origin: germline. Affected: yes.
Comment: The I594T variant in the FLNB gene has not been reported previously as a pathogenic variant, nor as a benign variant, to our knowledge. The I594T variant was not observed in approximately 6,500 individuals of European and African American ancestry in the NHLBI Exome Sequencing Project, indicating it is not a common benign variant in these populations. The I594T variant is a non-conservative amino acid substitution, which is likely to impact secondary protein structure as these residues differ in polarity, charge, size and/or other properties. This substitution occurs at a position that is conserved across species. In silico analysis predicts this variant is probably damaging to the protein structure/function. We interpret I594T as a variant of uncertain significance.

NM_001457.4(FLNB):c.1781T>C (p.Ile594Thr)

Gene: FLNB (filamin B; plus strand). Cytogenetic location: 3p14.3.
Variant type: single nucleotide variant.
Coding change: c.1781T>C on transcript NM_001457.4 (MANE Select); coding-DNA position 1781, T replaced by C.
Protein change: p.Ile594Thr; replaces isoleucine 594 with threonine.
Molecular consequence: missense variant.
Genome position (GRCh38, 1-based): chr3:58,106,713, T>C. VCF-style: chr3-58106713-T-C. GRCh37 (hg19) VCF-style: chr3-58092440-T-C.
Other names: c.1781T>C, p.Ile594Thr (NM_001164317.2, NM_001164318.2, NM_001164319.2); short protein forms I594T.
Identifiers: ClinVar variation 387749 (VCV000387749.6), dbSNP rs776866741, ClinGen allele CA2467925.